The following is an entry in ClinVar:

NM_001127222.2(CACNA1A):c.6469G>C (p.Asp2157His)

Gene: CACNA1A (calcium voltage-gated channel subunit alpha1 A; minus strand). Cytogenetic location: 19p13.13.
Variant type: single nucleotide variant.
Coding change: c.6469G>C on transcript NM_001127222.2 (MANE Select); coding-DNA position 6469, G replaced by C.
Protein change: p.Asp2157His; replaces aspartic acid 2157 with histidine.
Molecular consequence: missense variant.
Genome position (GRCh38, 1-based): chr19:13,209,369, C>G on the plus strand (G>C on the coding strand, the complement: CACNA1A is on the minus strand). VCF-style: chr19-13209369-C-G. GRCh37 (hg19) VCF-style: chr19-13320183-C-G.
Other names: c.6487G>C, p.Asp2163His (NM_000068.4, NM_023035.3); c.6472G>C, p.Asp2158His (NM_001127221.2); c.6478G>C, p.Asp2160His (NM_001174080.2); short protein forms D2158H, D2157H, D2160H, D2163H.
Identifiers: ClinVar variation 1810432 (VCV001810432.2), dbSNP rs1042634748, ClinGen allele CA404330826.

ClinVar aggregate classification (germline): Uncertain significance. Review status: criteria provided, multiple submitters, no conflicts (2 of 4 stars). 2 submissions from 2 submitters: Uncertain significance (2). Last evaluated 2026-03-27.

Conditions:
Inborn genetic diseases. Identifiers: MedGen C0950123, MeSH D030342.

Submissions (2):

Ambry Genetics
Classification: Uncertain significance for Inborn genetic diseases. Last evaluated: 2026-03-27. Review status: criteria provided, single submitter. Criteria: Ambry Variant Classification Scheme 2023. Collection method: clinical testing. Allele origin: germline.

GeneDx
Classification: Uncertain significance. Last evaluated: 2022-07-08. Review status: criteria provided, single submitter. Criteria: GeneDx Variant Classification Process June 2021. Collection method: clinical testing. Allele origin: germline. Affected: yes.
Comment: Not observed at significant frequency in large population cohorts (gnomAD); In silico analysis supports that this missense variant does not alter protein structure/function; Has not been previously published as pathogenic or benign to our knowledge